The following is an entry in ClinVar:

NM_000088.4(COL1A1):c.2984G>C (p.Gly995Ala)

Gene: COL1A1 (collagen type I alpha 1 chain; minus strand). Cytogenetic location: 17q21.33.
Variant type: single nucleotide variant.
Coding change: c.2984G>C on transcript NM_000088.4 (MANE Select); coding-DNA position 2984, G replaced by C.
Protein change: p.Gly995Ala; replaces glycine 995 with alanine.
Molecular consequence: missense variant.
Genome position (GRCh38, 1-based): chr17:50,188,964, C>G on the plus strand (G>C on the coding strand, the complement: COL1A1 is on the minus strand). VCF-style: chr17-50188964-C-G. GRCh37 (hg19) VCF-style: chr17-48266325-C-G.
Other names: short protein forms G995A.
Identifiers: ClinVar variation 691319 (VCV000691319.3), dbSNP rs1598288656, ClinGen allele CA400204045.

ClinVar aggregate classification (germline): Likely pathogenic (1 of 4 stars; one submission).

Conditions:
Osteogenesis imperfecta (OI). Identifiers: Orphanet 666, MedGen C0029434, MeSH D010013, MONDO:0019019.

Submission:

Genetics Department, Polish Mother's Memorial Hospital Research Institute
Classification: Likely pathogenic for Osteogenesis imperfecta. Last evaluated: 2019-07-11. Review status: criteria provided, single submitter. Criteria: ACMG Guidelines, 2015. Collection method: research. Allele origin: unknown. Affected: yes. Observed: 2 variant alleles.